The following is an entry in ClinVar:

NM_000458.4(HNF1B):c.*777G>A

Gene: HNF1B (HNF1 homeobox B; minus strand). Cytogenetic location: 17q12.
Variant type: single nucleotide variant.
Coding change: c.*777G>A on transcript NM_000458.4 (MANE Select); 777 bases downstream of the stop codon, G replaced by A.
Molecular consequence: 3 prime UTR variant.
Genome position (GRCh38, 1-based): chr17:37,686,595, C>T on the plus strand (G>A on the coding strand, the complement: HNF1B is on the minus strand). VCF-style: chr17-37686595-C-T. GRCh37 (hg19) VCF-style: chr17-36046598-C-T.
Other names: c.*777G>A (NM_001165923.4); c.*685G>A (NM_001304286.2).
Identifiers: ClinVar variation 322930 (VCV000322930.7), dbSNP rs17138512, ClinGen allele CA10639518.

ClinVar aggregate classification (germline): Benign/Likely benign. Review status: criteria provided, multiple submitters, no conflicts (2 of 4 stars). 3 submissions from 3 submitters: Benign (2); Likely benign (1). Last evaluated 2018-01-12.

Conditions:
Maturity-onset diabetes of the young (MODY). Also called: Maturity onset diabetes mellitus in young. Identifiers: Orphanet 552, MedGen C0342276, MONDO:0018911, HP:0004904.
Renal cysts and diabetes syndrome (RCAD). Also called: Familial hypoplastic, glomerulocystic kidney; MATURITY-ONSET DIABETES OF THE YOUNG, TYPE 5. Identifiers: Orphanet 93111, MedGen C0431693, MONDO:0007669, OMIM 137920.

Allele frequency attached by ClinVar (database versions not stated): gnomAD exomes 0.00301; 1000 Genomes Project 30x 0.03576; gnomAD 0.02743 and 0.02929; TOPMed 0.03013; 1000 Genomes Project 0.03115.

Submissions (3):

Illumina Laboratory Services, Illumina
Classification: Benign for Renal cysts and diabetes syndrome. Last evaluated: 2018-01-12. Review status: criteria provided, single submitter. Criteria: ICSL Variant Classification Criteria 13 December 2019. Collection method: clinical testing. Allele origin: germline.
Comment: This variant was observed in the ICSL laboratory as part of a predisposition screen in an ostensibly healthy population. It had not been previously curated by ICSL or reported in the Human Gene Mutation Database (HGMD: prior to June 1st, 2018), and was therefore a candidate for classification through an automated scoring system. Utilizing variant allele frequency, disease prevalence and penetrance estimates, and inheritance mode, an automated score was calculated to assess if this variant is too frequent to cause the disease. Based on the score and internal cut-off values, a variant classified as benign is not then subjected to further curation. The score for this variant resulted in a classification of benign for this disease.

Breakthrough Genomics
Classification: Benign. Review status: criteria provided, single submitter. Criteria: ACMG Guidelines, 2015. Collection method: not provided. Allele origin: germline. Inheritance: Autosomal dominant inheritance. Affected: yes.

Clinical Genomics, Uppaluri K&H Personalized Medicine Clinic
Classification: Likely benign for Maturity-onset diabetes of the young. Review status: criteria provided, single submitter. Criteria: K & H Uppaluri Personalized Medicine Clinic Variant Classification & Assertion Criteria_Updated V.1. Collection method: research. Allele origin: unknown. Inheritance: Autosomal dominant inheritance.
Comment: HNF1B gene mutations are associated with early onset diabetes and pancreatic atrophy. It is also associated with multiple renal manifestations including renal cysts, Tubulointerstitial disease, glomerulocystic disease, renal hypoplasia, hypomagnesemia. However no sufficient evidence is found to ascertain the role of this particular variant rs17138512, yet.

Literature cited by the submitters: PubMed 24897035 (cited by Clinical Genomics, Uppaluri K&H Personalized Medicine Clinic); PubMed 25536396 (cited by Clinical Genomics, Uppaluri K&H Personalized Medicine Clinic); PubMed 27615128 (cited by Clinical Genomics, Uppaluri K&H Personalized Medicine Clinic); PubMed 28215227 (cited by Clinical Genomics, Uppaluri K&H Personalized Medicine Clinic); PubMed 33434175 (cited by Clinical Genomics, Uppaluri K&H Personalized Medicine Clinic); PubMed 25741167 (cited by Clinical Genomics, Uppaluri K&H Personalized Medicine Clinic); PubMed 26340261 (cited by Clinical Genomics, Uppaluri K&H Personalized Medicine Clinic); PubMed 19639018 (cited by Clinical Genomics, Uppaluri K&H Personalized Medicine Clinic).